The following is an entry in ClinVar:

ClinVar aggregate classification (germline): Uncertain significance (1 of 4 stars; one submission).

Submission:

Labcorp Genetics (formerly Invitae), Labcorp
Classification: Uncertain significance. Last evaluated: 2024-07-24. Review status: criteria provided, single submitter. Criteria: Invitae Variant Classification Sherloc (09022015). Collection method: clinical testing. Allele origin: germline.
Comment: This sequence change replaces arginine, which is basic and polar, with lysine, which is basic and polar, at codon 50 of the RELA protein (p.Arg50Lys). This variant is not present in population databases (gnomAD no frequency). This variant has not been reported in the literature in individuals affected with RELA-related conditions. An algorithm developed to predict the effect of missense changes on protein structure and function (PolyPhen-2) suggests that this variant is likely to be tolerated. In summary, the available evidence is currently insufficient to determine the role of this variant in disease. Therefore, it has been classified as a Variant of Uncertain Significance.

NM_021975.4(RELA):c.149G>A (p.Arg50Lys)

Gene: RELA (RELA proto-oncogene, NF-kB subunit; minus strand). Cytogenetic location: 11q13.1.
Variant type: single nucleotide variant.
Coding change: c.149G>A on transcript NM_021975.4 (MANE Select); coding-DNA position 149, G replaced by A.
Protein change: p.Arg50Lys; replaces arginine 50 with lysine.
Molecular consequence: missense variant. On other transcripts: 5 prime UTR variant (1).
Genome position (GRCh38, 1-based): chr11:65,661,974, C>T on the plus strand (G>A on the coding strand, the complement: RELA is on the minus strand). VCF-style: chr11-65661974-C-T. GRCh37 (hg19) VCF-style: chr11-65429445-C-T.
Other names: c.149G>A, p.Arg50Lys (NM_001145138.2, NM_001243984.2, NM_001243985.2 and 3 more transcripts); c.122G>A, p.Arg41Lys (NM_001404658.1); c.-141G>A (NM_001404661.1); c.56G>A, p.Arg19Lys (NM_001404662.1, NM_001404663.1); short protein forms R50K, R19K, R41K.
Identifiers: ClinVar variation 3632505 (VCV003632505.2).